The following is an entry in ClinVar:

NM_001367624.2(ZNF469):c.9985C>T (p.His3329Tyr)

Genes: ZNF469 (zinc finger protein 469; plus strand), LOC130059719 (ATAC-STARR-seq lymphoblastoid silent region 7848; plus strand). Cytogenetic location: 16q24.2.
Variant type: single nucleotide variant.
Coding change: c.9985C>T on transcript NM_001367624.2 (MANE Select); coding-DNA position 9985, C replaced by T.
Protein change: p.His3329Tyr; replaces histidine 3329 with tyrosine.
Molecular consequence: missense variant.
Genome position (GRCh38, 1-based): chr16:88,437,455, C>T. VCF-style: chr16-88437455-C-T. GRCh37 (hg19) VCF-style: chr16-88503863-C-T.
Other names: NM_001127464.1:c.9901C>T; short protein forms H3329Y.
Identifiers: ClinVar variation 2624539 (VCV002624539.2), dbSNP rs2507604995, ClinGen allele CA397125375.

ClinVar aggregate classification (germline): Uncertain significance (1 of 4 stars; one submission).

Conditions:
Cardiovascular phenotype. Identifiers: MedGen CN230736.

Submission:

Ambry Genetics
Classification: Uncertain significance for Cardiovascular phenotype. Last evaluated: 2023-06-29. Review status: criteria provided, single submitter. Criteria: Ambry Variant Classification Scheme 2023. Collection method: clinical testing. Allele origin: germline.
Comment: The p.H3301Y variant (also known as c.9901C>T), located in coding exon 2 of the ZNF469 gene, results from a C to T substitution at nucleotide position 9901. The histidine at codon 3301 is replaced by tyrosine, an amino acid with similar properties. This amino acid position is conserved. In addition, this alteration is predicted to be tolerated by in silico analysis. Since supporting evidence is limited at this time, the clinical significance of this alteration remains unclear.